The following is an entry in ClinVar:

ClinVar aggregate classification (germline): Benign. Review status: criteria provided, multiple submitters, no conflicts (2 of 4 stars). 2 submissions from 2 submitters: Benign (2). Last evaluated 2018-06-15.

Allele frequency attached by ClinVar (database versions not stated): gnomAD 0.25562 and 0.26124; TOPMed 0.25870; 1000 Genomes Project 30x 0.30418; 1000 Genomes Project 0.30671.
gnomAD v4.1: 39,591 of 151,698 alleles (26%); highest among the groups gnomAD compares: East Asian, 47%; 5,361 homozygotes.

Submissions (2):

GeneDx
Classification: Benign. Last evaluated: 2018-06-15. Review status: criteria provided, single submitter. Criteria: GeneDx Variant Classification (06012015). Collection method: clinical testing. Allele origin: germline. Affected: yes.
Comment: This variant is considered likely benign or benign based on one or more of the following criteria: it is a conservative change, it occurs at a poorly conserved position in the protein, it is predicted to be benign by multiple in silico algorithms, and/or has population frequency not consistent with disease.

Breakthrough Genomics
Classification: Benign. Review status: criteria provided, single submitter. Criteria: ACMG Guidelines, 2015. Collection method: not provided. Allele origin: germline. Inheritance: Unknown mechanism. Affected: yes.

NM_006393.3(NEBL):c.153+226C>T

Gene: NEBL (nebulette; minus strand). Cytogenetic location: 10p12.31.
Variant type: single nucleotide variant.
Coding change: c.153+226C>T on transcript NM_006393.3 (MANE Select); 226 bases into the intron after coding-DNA position 153, C replaced by T.
Molecular consequence: intron variant.
Genome position (GRCh38, 1-based): chr10:20,896,732, G>A on the plus strand (C>T on the coding strand, the complement: NEBL is on the minus strand). VCF-style: chr10-20896732-G-A. GRCh37 (hg19) VCF-style: chr10-21185661-G-A.
Other names: c.249+64940C>T (NM_001377326.1, NM_001377327.1, NM_001377328.1); c.357+64940C>T (NM_213569.2, NM_001173484.2, NM_001377322.1); c.300+64940C>T (NM_001377324.1); c.291+64940C>T (NM_001377325.1); c.309+64940C>T (NM_001377323.1).
Identifiers: ClinVar variation 678538 (VCV000678538.2), dbSNP rs788970, ClinGen allele CA13184896.